The following is an entry in ClinVar:

ClinVar aggregate classification (germline): Uncertain significance (1 of 4 stars; one submission).

Conditions:
Long QT syndrome (LQTS). Identifiers: MedGen C0023976, MeSH D008133, MONDO:0002442. Disease mechanism: loss of function. Inheritance: Various modes of inheritance.

gnomAD v4.1: 1 of 1,611,336 alleles (0.000062%); highest among the groups gnomAD compares: South Asian, 0.0011%; no homozygotes.

Submission:

All of Us Research Program, National Institutes of Health
Classification: Uncertain significance for Long QT syndrome. Last evaluated: 2024-05-30. Review status: criteria provided, single submitter. Criteria: ACMG Guidelines, 2015. Collection method: clinical testing. Allele origin: germline. Inheritance: Autosomal dominant inheritance. Observed: 1 variant allele, 1 heterozygote.
Comment: This missense variant replaces serine with proline at codon 464 of the KCNQ1 protein. Computational prediction is inconclusive regarding the impact of this variant on protein structure and function (internally defined REVEL score threshold 0.5 < inconclusive < 0.7, PMID: 27666373). To our knowledge, functional studies have not been reported for this variant. This variant has not been reported in individuals affected with KCNQ1-related disorders in the literature. This variant has been identified in 1/248776 chromosomes in the general population by the Genome Aggregation Database (gnomAD). The available evidence is insufficient to determine the role of this variant in disease conclusively. Therefore, this variant is classified as a Variant of Uncertain Significance.

This study involves interpretation of variants in research participants for the purpose of population health screening. Participant phenotype was not available at the time of variant classification. Additional details can be found in publication PMID: 35346344, PMCID: PMC8962531

NM_000218.3(KCNQ1):c.1390T>C (p.Ser464Pro)

Gene: KCNQ1 (potassium voltage-gated channel subfamily Q member 1; plus strand). Cytogenetic location: 11p15.5.
Variant type: single nucleotide variant.
Coding change: c.1390T>C on transcript NM_000218.3 (MANE Select); coding-DNA position 1390, T replaced by C.
Protein change: p.Ser464Pro; replaces serine 464 with proline.
Molecular consequence: missense variant.
Genome position (GRCh38, 1-based): chr11:2,588,851, T>C. VCF-style: chr11-2588851-T-C. GRCh37 (hg19) VCF-style: chr11-2610081-T-C.
Other names: c.1294T>C, p.Ser432Pro (NM_001406836.1); c.1120T>C, p.Ser374Pro (NM_001406837.1); c.850T>C, p.Ser284Pro (NM_001406838.1); c.1009T>C, p.Ser337Pro (NM_181798.2); short protein forms S284P, S337P, S374P, S432P, S464P.
Identifiers: ClinVar variation 3386938 (VCV003386938.1).